The following is an entry in ClinVar:

ClinVar aggregate classification (germline): Pathogenic (1 of 4 stars; one submission).

gnomAD v4.1: 3 of 1,613,358 alleles (0.00019%); highest among the groups gnomAD compares: Admixed American, 0.005%; no homozygotes.

Submission:

Labcorp Genetics (formerly Invitae), Labcorp
Classification: Pathogenic. Last evaluated: 2025-08-20. Review status: criteria provided, single submitter. Criteria: Invitae Variant Classification Sherloc (09022015). Collection method: clinical testing. Allele origin: germline.
Comment: This sequence change creates a premature translational stop signal (p.Lys47*) in the TOP3A gene. It is expected to result in an absent or disrupted protein product. Loss-of-function variants in TOP3A are known to be pathogenic (PMID: 30057030). This variant is present in population databases (no rsID available, gnomAD 0.006%). This variant has not been reported in the literature in individuals affected with TOP3A-related conditions. For these reasons, this variant has been classified as Pathogenic.

Literature cited by the submitters: PubMed 30057030.

NM_004618.5(TOP3A):c.139A>T (p.Lys47Ter)

Genes: TOP3A (DNA topoisomerase III alpha; minus strand), LOC130060427 (ATAC-STARR-seq lymphoblastoid active region 11836; plus strand). Cytogenetic location: 17p11.2.
Variant type: single nucleotide variant.
Coding change: c.139A>T on transcript NM_004618.5 (MANE Select); coding-DNA position 139, A replaced by T.
Protein change: p.Lys47Ter; replaces lysine 47 with a stop codon.
Molecular consequence: nonsense. On other transcripts: 5 prime UTR variant (1).
Genome position (GRCh38, 1-based): chr17:18,314,640, T>A on the plus strand (A>T on the coding strand, the complement: TOP3A is on the minus strand). VCF-style: chr17-18314640-T-A. GRCh37 (hg19) VCF-style: chr17-18217954-T-A.
Other names: c.-73A>T (NM_001320759.2); short protein forms K47*.
Identifiers: ClinVar variation 4761768 (VCV004761768.1).